The following is an entry in ClinVar:

ClinVar aggregate classification (germline): Uncertain significance (1 of 4 stars; one submission).

Conditions:
Left ventricular noncompaction 8 (LVNC8). Identifiers: Orphanet 154, Orphanet 54260, MedGen C3809288, MONDO:0014152, OMIM 615373.

Allele frequency attached by ClinVar (database versions not stated): gnomAD exomes below 0.00001; TOPMed below 0.00001; gnomAD 0.00001.
gnomAD v4.1: 13 of 1,613,134 alleles (0.00081%); highest among the groups gnomAD compares: Non-Finnish European, 0.00093%; no homozygotes.

Submission:

Labcorp Genetics (formerly Invitae), Labcorp
Classification: Uncertain significance for Left ventricular noncompaction 8. Last evaluated: 2024-01-04. Review status: criteria provided, single submitter. Criteria: Invitae Variant Classification Sherloc (09022015). Collection method: clinical testing. Allele origin: germline.
Comment: This sequence change replaces arginine, which is basic and polar, with tryptophan, which is neutral and slightly polar, at codon 888 of the PRDM16 protein (p.Arg888Trp). This variant is present in population databases (no rsID available, gnomAD 0.005%). This variant has not been reported in the literature in individuals affected with PRDM16-related conditions. ClinVar contains an entry for this variant (Variation ID: 1402333). An algorithm developed to predict the effect of missense changes on protein structure and function (PolyPhen-2) suggests that this variant is likely to be disruptive. In summary, the available evidence is currently insufficient to determine the role of this variant in disease. Therefore, it has been classified as a Variant of Uncertain Significance.

NM_022114.4(PRDM16):c.2662C>T (p.Arg888Trp)

Gene: PRDM16 (PR/SET domain 16; plus strand). Cytogenetic location: 1p36.32.
Variant type: single nucleotide variant.
Coding change: c.2662C>T on transcript NM_022114.4 (MANE Select); coding-DNA position 2662, C replaced by T.
Protein change: p.Arg888Trp; replaces arginine 888 with tryptophan.
Molecular consequence: missense variant.
Genome position (GRCh38, 1-based): chr1:3,414,618, C>T. VCF-style: chr1-3414618-C-T. GRCh37 (hg19) VCF-style: chr1-3331182-C-T.
Other names: c.2662C>T, p.Arg888Trp (NM_199454.3); short protein forms R888W.
Identifiers: ClinVar variation 1402333 (VCV001402333.8), dbSNP rs1208513057, ClinGen allele CA338001236.
Genomic context (GRCh38, chr1:3,414,618, plus strand): 5'-AGCAGGGTAGAAAAGCGGAAGGTCACAGACCCCGTGGGAGCCCTGAAGGAGAAGTACCTG[C>T]GGCCGTCCCCGCTGCTCTTCCACCCCCAGGTACGTCCTCAGTGCAGGTCAGGGCGCCCTG-3'
Protein context (NP_071397.3, residues 878-898): PVGALKEKYL[Arg888Trp]PSPLLFHPQM